The following is an entry in ClinVar:

ClinVar aggregate classification (germline): Uncertain significance. Review status: criteria provided, multiple submitters, no conflicts (2 of 4 stars). 3 submissions from 3 submitters: Uncertain significance (3). Last evaluated 2026-04-28.

Conditions:
Inborn genetic diseases. Identifiers: MedGen C0950123, MeSH D030342.
Charcot-Marie-Tooth disease axonal type 2F (CMT2F). Also called: CHARCOT-MARIE-TOOTH DISEASE, NEURONAL, TYPE 2F; Charcot-Marie-Tooth Neuropathy Type 2F. Identifiers: Orphanet 99940, MedGen C1847823, MONDO:0011687, OMIM 606595.

Allele frequency attached by ClinVar (database versions not stated): gnomAD 0.00001; gnomAD exomes 0.00001 and 0.00002; TOPMed 0.00001; ExAC 0.00002.
gnomAD v4.1: 26 of 1,603,548 alleles (0.0016%); highest among the groups gnomAD compares: Admixed American, 0.005%; no homozygotes.

Submissions (3):

Women's Health and Genetics/Laboratory Corporation of America, LabCorp
Classification: Uncertain significance. Last evaluated: 2026-04-28. Review status: criteria provided, single submitter. Criteria: LabCorp Variant Classification Summary - May 2015. Collection method: clinical testing. Allele origin: germline.
Comment: Variant summary: HSPB1 c.17T>C (p.Val6Ala) results in a non-conservative amino acid change in the encoded protein sequence. Algorithms developed to predict the effect of missense changes on protein structure and function all suggest that this variant is likely to be disruptive. The variant allele was found at a frequency of 1.3e-05 in 236224 control chromosomes. The available data on variant occurrences in the general population are insufficient to allow any conclusion about variant significance. To our knowledge, no occurrence of c.17T>C in individuals affected with HSPB1-related conditions and no experimental evidence demonstrating its impact on protein function have been reported. ClinVar contains an entry for this variant (Variation ID: 650957). Based on the evidence outlined above, the variant was classified as uncertain significance.

Labcorp Genetics (formerly Invitae), Labcorp
Classification: Uncertain significance for Charcot-Marie-Tooth disease axonal type 2F. Last evaluated: 2025-09-02. Review status: criteria provided, single submitter. Criteria: Invitae Variant Classification Sherloc (09022015). Collection method: clinical testing. Allele origin: germline.
Comment: This sequence change replaces valine, which is neutral and non-polar, with alanine, which is neutral and non-polar, at codon 6 of the HSPB1 protein (p.Val6Ala). This variant is present in population databases (rs773864816, gnomAD 0.003%). This variant has not been reported in the literature in individuals affected with HSPB1-related conditions. ClinVar contains an entry for this variant (Variation ID: 650957). Invitae Evidence Modeling of protein sequence and biophysical properties (such as structural, functional, and spatial information, amino acid conservation, physicochemical variation, residue mobility, and thermodynamic stability) has been performed for this missense variant. However, the output from this modeling did not meet the statistical confidence thresholds required to predict the impact of this variant on HSPB1 protein function. In summary, the available evidence is currently insufficient to determine the role of this variant in disease. Therefore, it has been classified as a Variant of Uncertain Significance.

Ambry Genetics
Classification: Uncertain significance for Inborn genetic diseases. Last evaluated: 2021-02-02. Review status: criteria provided, single submitter. Criteria: Ambry Variant Classification Scheme 2023. Collection method: clinical testing. Allele origin: germline.
Comment: The p.V6A variant (also known as c.17T>C), located in coding exon 1 of the HSPB1 gene, results from a T to C substitution at nucleotide position 17. The valine at codon 6 is replaced by alanine, an amino acid with similar properties. This amino acid position is not well conserved in available vertebrate species. In addition, the in silico prediction for this alteration is inconclusive. Since supporting evidence is limited at this time, the clinical significance of this alteration remains unclear.

NM_001540.5(HSPB1):c.17T>C (p.Val6Ala)

Gene: HSPB1 (heat shock protein family B (small) member 1; plus strand). Cytogenetic location: 7q11.23.
Variant type: single nucleotide variant.
Coding change: c.17T>C on transcript NM_001540.5 (MANE Select); coding-DNA position 17, T replaced by C.
Protein change: p.Val6Ala; replaces valine 6 with alanine.
Molecular consequence: missense variant.
Genome position (GRCh38, 1-based): chr7:76,302,729, T>C. VCF-style: chr7-76302729-T-C. GRCh37 (hg19) VCF-style: chr7-75932046-T-C.
Other names: c.17T>C (LRG_248t1); short protein forms V6A.
Identifiers: ClinVar variation 650957 (VCV000650957.13), dbSNP rs773864816, ClinGen allele CA4306232.